The following is an entry in ClinVar:

ClinVar aggregate classification (germline): Pathogenic (1 of 4 stars; one submission).

Conditions:
Duchenne muscular dystrophy (DMD). Also called: MUSCULAR DYSTROPHY, PSEUDOHYPERTROPHIC PROGRESSIVE, DUCHENNE TYPE; Duchenne Muscular Dystrophy (DMD). Identifiers: Orphanet 98896, MedGen C0013264, MONDO:0010679, OMIM 310200.

Submission:

Labcorp Genetics (formerly Invitae), Labcorp
Classification: Pathogenic for Duchenne muscular dystrophy. Last evaluated: 2022-02-04. Review status: criteria provided, single submitter. Criteria: Invitae Variant Classification Sherloc (09022015). Collection method: clinical testing. Allele origin: germline.
Comment: This sequence change creates a premature translational stop signal (p.Cys1505*) in the DMD gene. It is expected to result in an absent or disrupted protein product. Loss-of-function variants in DMD are known to be pathogenic (PMID: 16770791, 25007885). For these reasons, this variant has been classified as Pathogenic. This variant has not been reported in the literature in individuals affected with DMD-related conditions. This variant is not present in population databases (gnomAD no frequency).

Literature cited by the submitters: PubMed 16770791; PubMed 25007885.

NM_004006.3(DMD):c.4515T>A (p.Cys1505Ter)

Gene: DMD (dystrophin; minus strand). Cytogenetic location: Xp21.1.
Variant type: single nucleotide variant.
Coding change: c.4515T>A on transcript NM_004006.3 (MANE Select); coding-DNA position 4515, T replaced by A.
Protein change: p.Cys1505Ter; replaces cysteine 1505 with a stop codon.
Molecular consequence: nonsense.
Genome position (GRCh38, 1-based): chrX:32,389,504, A>T on the plus strand (T>A on the coding strand, the complement: DMD is on the minus strand). VCF-style: chrX-32389504-A-T. GRCh37 (hg19) VCF-style: chrX-32407621-A-T.
Other names: c.4491T>A, p.Cys1497Ter (NM_000109.4); c.4503T>A, p.Cys1501Ter (NM_004009.3); c.4146T>A, p.Cys1382Ter (NM_004010.3); c.492T>A, p.Cys164Ter (NM_004011.4); c.483T>A, p.Cys161Ter (NM_004012.4); short protein forms C1382*, C1505*, C1497*, C164*, C1501*, C161*.
Identifiers: ClinVar variation 1357994 (VCV001357994.6), dbSNP rs2147610488, ClinGen allele CA412662919.